The following is an entry in ClinVar:

ClinVar aggregate classification (germline): Uncertain significance (1 of 4 stars; one submission).

Submission:

Athena Diagnostics
Classification: Uncertain significance. Last evaluated: 2023-06-14. Review status: criteria provided, single submitter. Criteria: Athena Diagnostics Criteria. Collection method: clinical testing. Allele origin: unknown.
Comment: Available data are insufficient to determine the clinical significance of the variant at this time. This variant is expected to maintain the transcript reading frame, however, it may still disrupt protein function. This variant has not been reported in large, multi-ethnic general populations. Computational tools yielded predictions that this variant may result in the gain of a cryptic splice site. If used, this new site would result in an in-frame change to the transcript.

NM_182961.4(SYNE1):c.20863-2del

Gene: SYNE1 (spectrin repeat containing nuclear envelope protein 1; minus strand). Cytogenetic location: 6q25.2.
Variant type: Deletion.
Coding change: c.20863-2del on transcript NM_182961.4 (MANE Select); the canonical splice acceptor site of the intron before coding-DNA position 20863, one base deleted (A; older notation c.20863-2delA).
Molecular consequence: splice acceptor variant.
Genome position (GRCh38, 1-based): chr6:152,231,569, T deleted on the plus strand (A on the coding strand, the reverse complement: SYNE1 is on the minus strand). VCF-style (leftmost placement, unchanged base first): chr6-152231568-CT-C. GRCh37 (hg19) VCF-style: chr6-152552703-CT-C.
Other names: c.20650-2del (NM_033071.5).
Identifiers: ClinVar variation 2684042 (VCV002684042.1), dbSNP rs2551632628, ClinGen allele CA2697553788.